The following is an entry in ClinVar:

NM_006231.4(POLE):c.818C>G (p.Ala273Gly)

Gene: POLE (DNA polymerase epsilon, catalytic subunit; minus strand). Cytogenetic location: 12q24.33.
Variant type: single nucleotide variant.
Coding change: c.818C>G on transcript NM_006231.4 (MANE Select); coding-DNA position 818, C replaced by G.
Protein change: p.Ala273Gly; replaces alanine 273 with glycine.
Molecular consequence: missense variant.
Genome position (GRCh38, 1-based): chr12:132,676,637, G>C on the plus strand (C>G on the coding strand, the complement: POLE is on the minus strand). VCF-style: chr12-132676637-G-C. GRCh37 (hg19) VCF-style: chr12-133253223-G-C.
Other names: short protein forms A273G.
Identifiers: ClinVar variation 3935756 (VCV003935756.1).

ClinVar aggregate classification (germline): Uncertain significance (1 of 4 stars; one submission).

Conditions:
Hereditary cancer-predisposing syndrome. Also called: Tumor predisposition; Hereditary neoplastic syndrome; Hereditary Cancer Syndrome; Neoplastic Syndromes, Hereditary. Identifiers: Orphanet 140162, MedGen C0027672, MeSH D009386, MONDO:0015356.

Submission:

Ambry Genetics
Classification: Uncertain significance for Hereditary cancer-predisposing syndrome. Last evaluated: 2025-05-03. Review status: criteria provided, single submitter. Criteria: Ambry Variant Classification Scheme 2023. Collection method: clinical testing. Allele origin: germline.
Comment: The p.A273G variant (also known as c.818C>G), located in coding exon 9 of the POLE gene, results from a C to G substitution at nucleotide position 818. The alanine at codon 273 is replaced by glycine, an amino acid with similar properties. This amino acid position is conserved. In addition, the in silico prediction for this alteration is inconclusive. Based on the available evidence, the clinical significance of this variant remains unclear.